The following is an entry in ClinVar:

ClinVar aggregate classification (germline): Uncertain significance (1 of 4 stars; one submission).

Conditions:
Andersen Tawil syndrome (LQT7). Also called: ANDERSEN CARDIODYSRHYTHMIC PERIODIC PARALYSIS; LONG QT SYNDROME 7; PERIODIC PARALYSIS, POTASSIUM-SENSITIVE CARDIODYSRHYTHMIC TYPE; Andersen Syndrome; Potassium-sensitive periodic paralysis, ventricular ectopy, and dysmorphic features. Identifiers: Orphanet 37553, MedGen C1563715, MONDO:0008222, OMIM 170390.
Short QT syndrome type 3. Identifiers: Orphanet 51083, MedGen C1865018, MONDO:0012314, OMIM 609622.

Submission:

Labcorp Genetics (formerly Invitae), Labcorp
Classification: Uncertain significance for Short QT syndrome type 3; Andersen Tawil syndrome. Last evaluated: 2024-05-21. Review status: criteria provided, single submitter. Criteria: Invitae Variant Classification Sherloc (09022015). Collection method: clinical testing. Allele origin: germline.
Comment: This sequence change replaces glutamic acid, which is acidic and polar, with aspartic acid, which is acidic and polar, at codon 327 of the KCNJ2 protein (p.Glu327Asp). This variant is not present in population databases (gnomAD no frequency). This variant has not been reported in the literature in individuals affected with KCNJ2-related conditions. Advanced modeling of protein sequence and biophysical properties (such as structural, functional, and spatial information, amino acid conservation, physicochemical variation, residue mobility, and thermodynamic stability) performed at Invitae indicates that this missense variant is not expected to disrupt KCNJ2 protein function with a negative predictive value of 80%. In summary, the available evidence is currently insufficient to determine the role of this variant in disease. Therefore, it has been classified as a Variant of Uncertain Significance.

NM_000891.3(KCNJ2):c.981G>T (p.Glu327Asp)

Gene: KCNJ2 (potassium inwardly rectifying channel subfamily J member 2; plus strand). Cytogenetic location: 17q24.3.
Variant type: single nucleotide variant.
Coding change: c.981G>T on transcript NM_000891.3 (MANE Select); coding-DNA position 981, G replaced by T.
Protein change: p.Glu327Asp; replaces glutamic acid 327 with aspartic acid.
Molecular consequence: missense variant.
Genome position (GRCh38, 1-based): chr17:70,176,020, G>T. VCF-style: chr17-70176020-G-T. GRCh37 (hg19) VCF-style: chr17-68172161-G-T.
Other names: short protein forms E327D.
Identifiers: ClinVar variation 3756458 (VCV003756458.2).
Genomic context (GRCh38, chr17:70,176,020, plus strand): 5'-GACGACACAGTGCCGTAGCTCTTATCTAGCAAATGAAATCCTGTGGGGCCACCGCTATGA[G>T]CCTGTGCTCTTTGAAGAGAAGCACTACTACAAAGTGGACTATTCCAGGTTCCACAAAACT-3'
Protein context (NP_000882.1, residues 317-337): ANEILWGHRY[Glu327Asp]PVLFEEKHYY